The following is an entry in ClinVar:

NM_152468.5(TMC8):c.1226A>C (p.Tyr409Ser)

Gene: TMC8 (transmembrane channel like 8; plus strand). Cytogenetic location: 17q25.3.
Variant type: single nucleotide variant.
Coding change: c.1226A>C on transcript NM_152468.5 (MANE Select); coding-DNA position 1226, A replaced by C.
Protein change: p.Tyr409Ser; replaces tyrosine 409 with serine.
Molecular consequence: missense variant.
Genome position (GRCh38, 1-based): chr17:78,137,333, A>C. VCF-style: chr17-78137333-A-C. GRCh37 (hg19) VCF-style: chr17-76133414-A-C.
Other names: short protein forms Y409S.
Identifiers: ClinVar variation 2133829 (VCV002133829.1), dbSNP rs2510806211, ClinGen allele CA401248089.

ClinVar aggregate classification (germline): Uncertain significance (1 of 4 stars; one submission).

Conditions:
Epidermodysplasia verruciformis. Identifiers: Orphanet 302, MedGen C0014522, MONDO:0009176.

Allele frequency attached by ClinVar (database versions not stated): gnomAD exomes below 0.00001.

Submission:

Labcorp Genetics (formerly Invitae), Labcorp
Classification: Uncertain significance for Epidermodysplasia verruciformis. Last evaluated: 2022-05-04. Review status: criteria provided, single submitter. Criteria: Invitae Variant Classification Sherloc (09022015). Collection method: clinical testing. Allele origin: germline.
Comment: This sequence change replaces tyrosine, which is neutral and polar, with serine, which is neutral and polar, at codon 409 of the TMC8 protein (p.Tyr409Ser). This variant is not present in population databases (gnomAD no frequency). This variant has not been reported in the literature in individuals affected with TMC8-related conditions. Algorithms developed to predict the effect of missense changes on protein structure and function (SIFT, PolyPhen-2, Align-GVGD) all suggest that this variant is likely to be tolerated. In summary, the available evidence is currently insufficient to determine the role of this variant in disease. Therefore, it has been classified as a Variant of Uncertain Significance.